The following is an entry in ClinVar:

ClinVar aggregate classification (germline): Uncertain significance. Review status: criteria provided, multiple submitters, no conflicts (2 of 4 stars). 6 submissions from 6 submitters: Uncertain significance (4). 2 of the submissions do not count toward it. Last evaluated 2024-06-12.

Conditions:
Retinitis pigmentosa 55 (RP55). Identifiers: Orphanet 791, MedGen C3150808, MONDO:0013312, OMIM 613575.
Bardet-Biedl syndrome 3 (BBS3). Identifiers: Orphanet 110, MedGen C1859564, MONDO:0010832, OMIM 600151.
Inborn genetic diseases. Identifiers: MedGen C0950123, MeSH D030342.
Retinal dystrophy. Also called: Inherited retinal dystrophy. Identifiers: Orphanet 71862, MedGen C0854723, MeSH D058499, MONDO:0019118, HP:0000556.
ARL6-related disorder. Also called: ARL6-related condition.
Bardet-Biedl syndrome 1 (BBS1). Identifiers: MedGen C2936862, MONDO:0008854, OMIM 209900. Disease mechanism: loss of function.

Allele frequency attached by ClinVar (database versions not stated): ExAC 0.00001; gnomAD 0.00001; gnomAD exomes 0.00001; TOPMed 0.00001.
gnomAD v4.1: 12 of 1,612,990 alleles (0.00074%); highest among the groups gnomAD compares: Admixed American, 0.0017%; 1 homozygote.

Submissions (6):

Fulgent Genetics
Classification: Uncertain significance for Bardet-Biedl syndrome 1; Bardet-Biedl syndrome 3; Retinitis pigmentosa 55. Last evaluated: 2024-06-12. Review status: criteria provided, single submitter. Criteria: ACMG Guidelines, 2015. Collection method: clinical testing. Allele origin: germline.

Blueprint Genetics
Classification: Uncertain significance. Last evaluated: 2023-06-07. Review status: criteria provided, single submitter. Criteria: ACMG Guidelines, 2015. Collection method: clinical testing. Allele origin: germline.

Labcorp Genetics (formerly Invitae), Labcorp
Classification: Uncertain significance for Retinitis pigmentosa 55; Bardet-Biedl syndrome 3. Last evaluated: 2022-08-17. Review status: criteria provided, single submitter. Criteria: Invitae Variant Classification Sherloc (09022015). Collection method: clinical testing. Allele origin: germline.
Comment: This sequence change replaces valine, which is neutral and non-polar, with alanine, which is neutral and non-polar, at codon 103 of the ARL6 protein (p.Val103Ala). This variant is present in population databases (rs761546116, gnomAD 0.002%). This variant has not been reported in the literature in individuals affected with ARL6-related conditions. Algorithms developed to predict the effect of missense changes on protein structure and function (SIFT, PolyPhen-2, Align-GVGD) all suggest that this variant is likely to be tolerated. In summary, the available evidence is currently insufficient to determine the role of this variant in disease. Therefore, it has been classified as a Variant of Uncertain Significance.

Ambry Genetics
Classification: Uncertain significance for Inborn genetic diseases. Last evaluated: 2021-07-13. Review status: criteria provided, single submitter. Criteria: Ambry Variant Classification Scheme 2023. Collection method: clinical testing. Allele origin: germline.

PreventionGenetics, part of Exact Sciences
Classification: Uncertain significance for ARL6-related condition. Last evaluated: 2024-03-05. Review status: no assertion criteria provided. Collection method: clinical testing. Allele origin: germline. Not counted in ClinVar's aggregate classification.
Comment: The ARL6 c.308T>C variant is predicted to result in the amino acid substitution p.Val103Ala. To our knowledge, this variant has not been reported in the literature. This variant is reported in 0.0023% of alleles in individuals of European (Non-Finnish) descent in gnomAD. At this time, the clinical significance of this variant is uncertain due to the absence of conclusive functional and genetic evidence.

Institute of Human Genetics, Univ. Regensburg, Univ. Regensburg
Classification: Uncertain significance for Retinal dystrophy. Last evaluated: 2022-01-01. Review status: no assertion criteria provided. Criteria: ACMG Guidelines, 2015. Collection method: clinical testing. Allele origin: germline. Affected: yes. Not counted in ClinVar's aggregate classification.

NM_001278293.3(ARL6):c.308T>C (p.Val103Ala)

Gene: ARL6 (ARF like GTPase 6; plus strand). Cytogenetic location: 3q11.2.
Variant type: single nucleotide variant.
Coding change: c.308T>C on transcript NM_001278293.3 (MANE Select); coding-DNA position 308, T replaced by C.
Protein change: p.Val103Ala; replaces valine 103 with alanine.
Molecular consequence: missense variant. On other transcripts: non-coding transcript variant (7).
Genome position (GRCh38, 1-based): chr3:97,785,008, T>C. VCF-style: chr3-97785008-T-C. GRCh37 (hg19) VCF-style: chr3-97503852-T-C.
Other names: c.308T>C, p.Val103Ala (NM_001323513.2, NM_001323514.2, NM_032146.5 and 1 more transcripts); short protein forms V103A.
Identifiers: ClinVar variation 2042834 (VCV002042834.6), dbSNP rs761546116, ClinGen allele CA2505925.